The following is an entry in ClinVar:

ClinVar aggregate classification (germline): Uncertain significance. Review status: criteria provided, multiple submitters, no conflicts (2 of 4 stars). 4 submissions from 4 submitters: Uncertain significance (4). Last evaluated 2024-01-15.

Conditions:
Hermansky-Pudlak syndrome 1 (HPS1). Also called: DELTA STORAGE POOL DISEASE. Identifiers: Orphanet 231500, Orphanet 79430, MedGen C2931875, MONDO:0008748, OMIM 203300.

Allele frequency attached by ClinVar (database versions not stated): gnomAD exomes 0.00002 and 0.00003; gnomAD 0.00003; ExAC 0.00005; TOPMed 0.00006.
gnomAD v4.1: 44 of 1,554,458 alleles (0.0028%); highest among the groups gnomAD compares: Middle Eastern, 0.017%; no homozygotes.

Submissions (4):

Blueprint Genetics
Classification: Uncertain significance. Last evaluated: 2024-01-15. Review status: criteria provided, single submitter. Criteria: ACMG Guidelines, 2015. Collection method: clinical testing. Allele origin: germline.

Labcorp Genetics (formerly Invitae), Labcorp
Classification: Uncertain significance. Last evaluated: 2022-07-05. Review status: criteria provided, single submitter. Criteria: Invitae Variant Classification Sherloc (09022015). Collection method: clinical testing. Allele origin: germline.
Comment: This sequence change replaces proline, which is neutral and non-polar, with leucine, which is neutral and non-polar, at codon 231 of the HPS1 protein (p.Pro231Leu). The frequency data for this variant in the population databases is considered unreliable, as metrics indicate poor data quality at this position in the gnomAD database. This variant has not been reported in the literature in individuals affected with HPS1-related conditions. ClinVar contains an entry for this variant (Variation ID: 298346). Algorithms developed to predict the effect of missense changes on protein structure and function are either unavailable or do not agree on the potential impact of this missense change (SIFT: "Deleterious"; PolyPhen-2: "Probably Damaging"; Align-GVGD: "Class C0"). In summary, the available evidence is currently insufficient to determine the role of this variant in disease. Therefore, it has been classified as a Variant of Uncertain Significance.

Fulgent Genetics
Classification: Uncertain significance for Hermansky-Pudlak syndrome 1. Last evaluated: 2022-02-17. Review status: criteria provided, single submitter. Criteria: ACMG Guidelines, 2015. Collection method: clinical testing. Allele origin: unknown.

Illumina Laboratory Services, Illumina
Classification: Uncertain significance for Hermansky-Pudlak syndrome 1. Last evaluated: 2018-01-12. Review status: criteria provided, single submitter. Criteria: ICSL Variant Classification Criteria 13 December 2019. Collection method: clinical testing. Allele origin: germline.

NM_000195.5(HPS1):c.692C>T (p.Pro231Leu)

Gene: HPS1 (HPS1 biogenesis of lysosomal organelles complex 3 subunit 1; minus strand). Cytogenetic location: 10q24.2.
Variant type: single nucleotide variant.
Coding change: c.692C>T on transcript NM_000195.5 (MANE Select); coding-DNA position 692, C replaced by T.
Protein change: p.Pro231Leu; replaces proline 231 with leucine.
Molecular consequence: missense variant. On other transcripts: 5 prime UTR variant (3).
Genome position (GRCh38, 1-based): chr10:98,430,647, G>A on the plus strand (C>T on the coding strand, the complement: HPS1 is on the minus strand). VCF-style: chr10-98430647-G-A. GRCh37 (hg19) VCF-style: chr10-100190404-G-A.
Other names: c.-182C>T (NM_001311345.2, NM_001322489.2); c.692C>T, p.Pro231Leu (NM_001322476.2, NM_001322477.2, NM_001322478.2 and 3 more transcripts); c.431C>T, p.Pro144Leu (NM_001322480.2, NM_001322481.2, NM_001322482.2); c.323C>T, p.Pro108Leu (NM_001322483.2, NM_001322484.2, NM_001322485.2); c.-281C>T (NM_001322487.2); c.574C>T, p.Arg192Trp (NM_001322490.2, NM_001322492.2); short protein forms P231L, P144L, P108L, R192W.
Identifiers: ClinVar variation 298346 (VCV000298346.8), dbSNP rs773953162, ClinGen allele CA5639315.